The following is an entry in ClinVar:

NM_000260.4(MYO7A):c.397del (p.His133fs)

Gene: MYO7A (myosin VIIA; plus strand). Cytogenetic location: 11q13.5.
Variant type: Deletion.
Coding change: c.397del on transcript NM_000260.4 (MANE Select); coding-DNA position 397, one base deleted (C; older notation c.397delC).
Protein change: p.His133fs; shifts the reading frame from histidine 133.
Molecular consequence: frameshift variant.
Genome position (GRCh38, 1-based): chr11:77,156,018, C deleted; the last of 7 consecutive C bases (chr11:77,156,012-77,156,018); deleting any one gives the same sequence. VCF-style (leftmost placement, unchanged base first): chr11-77156011-GC-G. GRCh37 (hg19) VCF-style: chr11-76867057-GC-G.
Other names: c.397del, p.His133fs (NM_001127180.2); c.364del, p.His122fs (NM_001369365.1); c.397delC (NM_000260.3); short protein forms H133fs, H122fs.
Identifiers: ClinVar variation 835296 (VCV000835296.11), dbSNP rs111033187, ClinGen allele CA475792500.

ClinVar aggregate classification (germline): Pathogenic/Likely pathogenic. Review status: criteria provided, multiple submitters, no conflicts (2 of 4 stars). 4 submissions from 4 submitters: Pathogenic (3); Likely pathogenic (1). Last evaluated 2025-07-03.

Conditions:
Retinal dystrophy. Also called: Inherited retinal dystrophy. Identifiers: Orphanet 71862, MedGen C0854723, MeSH D058499, MONDO:0019118, HP:0000556.
Usher syndrome type 1B (USH1B). Also called: Usher syndrome type IB. Identifiers: MedGen C1848638, MONDO:0700087.

Submissions (4):

Natera, Inc.
Classification: Pathogenic for Usher syndrome type 1B. Last evaluated: 2025-07-03. Review status: criteria provided, single submitter. Criteria: Natera Variant Classification Schema (03/2026). Collection method: clinical testing. Allele origin: germline.
Comment: The c.397delC variant in MYO7A is a frameshift variant predicted to shift the reading frame beginning at codon 133 and leads to a stop codon 13 codons downstream. This variant is expected to result in nonsense mediated decay, truncation, or a dysfunctional protein product. This variant is rare in the general population with a frequency below the threshold expected for the associated phenotype(s). This variant has been observed in one or more individuals affected with the associated recessive disease, as either homozygous or compound heterozygous with a second variant (PMID: 21873662). Given the available evidence, this variant is classified as Pathogenic.

Institute of Human Genetics, Univ. Regensburg, Univ. Regensburg
Classification: Likely pathogenic for Retinal dystrophy. Last evaluated: 2022-01-01. Review status: criteria provided, single submitter. Criteria: ACMG Guidelines, 2015. Collection method: clinical testing. Allele origin: germline. Affected: yes.

Institute of Medical Genetics and Applied Genomics, University Hospital Tübingen
Classification: Pathogenic. Last evaluated: 2021-06-17. Review status: criteria provided, single submitter. Criteria: ACMG Guidelines, 2015. Collection method: clinical testing. Allele origin: germline. Inheritance: Autosomal recessive inheritance. Affected: yes.

Labcorp Genetics (formerly Invitae), Labcorp
Classification: Pathogenic. Last evaluated: 2019-12-04. Review status: criteria provided, single submitter. Criteria: Invitae Variant Classification Sherloc (09022015). Collection method: clinical testing. Allele origin: germline.
Comment: This sequence change creates a premature translational stop signal (p.His133Thrfs*13) in the MYO7A gene. It is expected to result in an absent or disrupted protein product. This variant has not been reported in the literature in individuals with MYO7A-related conditions. This variant is not present in population databases (ExAC no frequency). For these reasons, this variant has been classified as Pathogenic. Loss-of-function variants in MYO7A are known to be pathogenic (PMID: 8900236, 25404053).

Literature cited by the submitters: PubMed 21873662 (cited by Natera, Inc.); PubMed 31054281 (cited by Institute of Human Genetics, Univ. Regensburg, Univ. Regensburg); PubMed 8900236 (cited by Labcorp Genetics (formerly Invitae), Labcorp); PubMed 25404053 (cited by Labcorp Genetics (formerly Invitae), Labcorp).